The following is an entry in ClinVar:

ClinVar aggregate classification (germline): Uncertain significance (1 of 4 stars; one submission).

Submission:

GeneDx
Classification: Uncertain significance. Last evaluated: 2026-02-28. Review status: criteria provided, single submitter. Criteria: GeneDx Variant Classification Process June 2021. Collection method: clinical testing. Allele origin: germline.
Comment: Not observed at significant frequency in large population cohorts (gnomAD); In silico analysis suggests that this missense variant does not alter protein structure/function; Has not been previously published as pathogenic or benign to our knowledge

NM_021224.6(ZNF462):c.4679A>G (p.Gln1560Arg)

Gene: ZNF462 (zinc finger protein 462; plus strand). Cytogenetic location: 9q31.2.
Variant type: single nucleotide variant.
Coding change: c.4679A>G on transcript NM_021224.6 (MANE Select); coding-DNA position 4679, A replaced by G.
Protein change: p.Gln1560Arg; replaces glutamine 1560 with arginine.
Molecular consequence: missense variant. On other transcripts: intron variant (1).
Genome position (GRCh38, 1-based): chr9:106,928,591, A>G. VCF-style: chr9-106928591-A-G. GRCh37 (hg19) VCF-style: chr9-109690872-A-G.
Other names: c.3252+1427A>G (NM_001347997.2); short protein forms Q1560R.
Identifiers: ClinVar variation 5008266 (VCV005008266.1).
Genomic context (GRCh38, chr9:106,928,591, plus strand): 5'-CCATCAAGGTGACCGCTGAGGACTTTGTGCACGACGTAGAGCAGTCTGCTGACATATCCC[A>G]GAATGACGTGGAGGAGACGAGCAGGATCTTCAAGCAAGGGTATGGCGCCTACCGGTGCAA-3'
Protein context (NP_067047.4, residues 1550-1570): HDVEQSADIS[Gln1560Arg]NDVEETSRIF